The following is an entry in ClinVar:

ClinVar aggregate classification (germline): Uncertain significance. Review status: criteria provided, multiple submitters, no conflicts (2 of 4 stars). 3 submissions from 3 submitters: Uncertain significance (2). 1 of the submissions does not count toward it. Last evaluated 2023-05-14.

Conditions:
Cystic fibrosis (CF). Also called: MUCOVISCIDOSIS. Identifiers: Orphanet 586, MedGen C0010674, MONDO:0009061, OMIM 219700. Disease mechanism: loss of function.

Submissions (3):

Ambry Genetics
Classification: Uncertain significance for Cystic fibrosis. Last evaluated: 2023-05-14. Review status: criteria provided, single submitter. Criteria: Ambry Variant Classification Scheme 2023. Collection method: clinical testing. Allele origin: germline.
Comment: The p.I448V variant (also known as c.1342A>G), located in coding exon 10 of the CFTR gene, results from an A to G substitution at nucleotide position 1342. The isoleucine at codon 448 is replaced by valine, an amino acid with highly similar properties. This amino acid position is conserved. In addition, the in silico prediction for this alteration is inconclusive. Since supporting evidence is limited at this time, the clinical significance of this alteration remains unclear.

Labcorp Genetics (formerly Invitae), Labcorp
Classification: Uncertain significance for Cystic fibrosis. Last evaluated: 2021-09-02. Review status: criteria provided, single submitter. Criteria: Invitae Variant Classification Sherloc (09022015). Collection method: clinical testing. Allele origin: germline.
Comment: This sequence change replaces isoleucine with valine at codon 448 of the CFTR protein (p.Ile448Val). The isoleucine residue is moderately conserved and there is a small physicochemical difference between isoleucine and valine. This variant is not present in population databases (ExAC no frequency). This variant has not been reported in the literature in individuals affected with CFTR-related conditions. Algorithms developed to predict the effect of missense changes on protein structure and function output the following: SIFT: "Tolerated"; PolyPhen-2: "Benign"; Align-GVGD: "Class C0". The valine amino acid residue is found in multiple mammalian species, which suggests that this missense change does not adversely affect protein function. Algorithms developed to predict the effect of sequence changes on RNA splicing suggest that this variant may create or strengthen a splice site. In summary, the available evidence is currently insufficient to determine the role of this variant in disease. Therefore, it has been classified as a Variant of Uncertain Significance.

Natera, Inc.
Classification: Uncertain significance for Cystic Fibrosis. Last evaluated: 2019-09-02. Review status: no assertion criteria provided. Collection method: clinical testing. Allele origin: germline. Not counted in ClinVar's aggregate classification.

NM_000492.4(CFTR):c.1342A>G (p.Ile448Val)

Genes: CFTR-AS1 (CFTR antisense RNA 1; minus strand), CFTR (CF transmembrane conductance regulator; plus strand). Cytogenetic location: 7q31.2.
Variant type: single nucleotide variant.
Coding change: c.1342A>G on transcript NM_000492.4 (MANE Select); coding-DNA position 1342, A replaced by G.
Protein change: p.Ile448Val; replaces isoleucine 448 with valine.
Molecular consequence: missense variant.
Genome position (GRCh38, 1-based): chr7:117,548,773, A>G. VCF-style: chr7-117548773-A-G. GRCh37 (hg19) VCF-style: chr7-117188827-A-G.
Other names: short protein forms I448V.
Identifiers: ClinVar variation 657458 (VCV000657458.8), dbSNP rs1584793570, ClinGen allele CA368982200.